The following is an entry in ClinVar:

NM_001197104.2(KMT2A):c.11894A>G (p.Lys3965Arg)

Genes: KMT2A (lysine methyltransferase 2A; plus strand), TTC36-AS1 (TTC36 and KMT2A antisense RNA 1; minus strand). Cytogenetic location: 11q23.3.
Variant type: single nucleotide variant.
Coding change: c.11894A>G on transcript NM_001197104.2 (MANE Select); coding-DNA position 11894, A replaced by G.
Protein change: p.Lys3965Arg; replaces lysine 3965 with arginine.
Molecular consequence: missense variant.
Genome position (GRCh38, 1-based): chr11:118,522,147, A>G. VCF-style: chr11-118522147-A-G. GRCh37 (hg19) VCF-style: chr11-118392862-A-G.
Other names: c.11984A>G, p.Lys3995Arg (NM_001412597.1); c.11885A>G, p.Lys3962Arg (NM_005933.4); short protein forms K3962R, K3995R, K3965R.
Identifiers: ClinVar variation 2801683 (VCV002801683.3), dbSNP rs2497135115, ClinGen allele CA382836787.

ClinVar aggregate classification (germline): Uncertain significance (1 of 4 stars; one submission).

Submission:

Labcorp Genetics (formerly Invitae), Labcorp
Classification: Uncertain significance. Last evaluated: 2023-02-04. Review status: criteria provided, single submitter. Criteria: Invitae Variant Classification Sherloc (09022015). Collection method: clinical testing. Allele origin: germline.
Comment: This sequence change replaces lysine, which is basic and polar, with arginine, which is basic and polar, at codon 3965 of the KMT2A protein (p.Lys3965Arg). This variant is not present in population databases (gnomAD no frequency). This variant has not been reported in the literature in individuals affected with KMT2A-related conditions. Advanced modeling of protein sequence and biophysical properties (such as structural, functional, and spatial information, amino acid conservation, physicochemical variation, residue mobility, and thermodynamic stability) performed at Invitae indicates that this missense variant is not expected to disrupt KMT2A protein function. In summary, the available evidence is currently insufficient to determine the role of this variant in disease. Therefore, it has been classified as a Variant of Uncertain Significance.